The following is an entry in ClinVar:

NM_001909.5(CTSD):c.509G>A (p.Gly170Asp)

Gene: CTSD (cathepsin D; minus strand). Cytogenetic location: 11p15.5.
Variant type: single nucleotide variant.
Coding change: c.509G>A on transcript NM_001909.5 (MANE Select); coding-DNA position 509, G replaced by A.
Protein change: p.Gly170Asp; replaces glycine 170 with aspartic acid.
Molecular consequence: missense variant.
Genome position (GRCh38, 1-based): chr11:1,757,519, C>T on the plus strand (G>A on the coding strand, the complement: CTSD is on the minus strand). VCF-style: chr11-1757519-C-T. GRCh37 (hg19) VCF-style: chr11-1778749-C-T.
Other names: short protein forms G170D.
Identifiers: ClinVar variation 1369915 (VCV001369915.8), dbSNP rs1845824451, ClinGen allele CA379096236.
Genomic context (GRCh38, chr11:1,757,519, plus strand): 5'-AAGGTGATGCCTGGCTGCTTGGTGGCCTCCCCAAAGACCTGCCTCTCCACTTTGACACCG[C>T]CCAGGGCAGAGGCTGACGACGCTGACTGGCAGGGCACCTGCAGGCCAGGGCAGAGTCAGT-3'
Protein context (NP_001900.1, residues 160-180): CQSASSASAL[Gly170Asp]GVKVERQVFG

ClinVar aggregate classification (germline): Uncertain significance (1 of 4 stars; one submission).

Conditions:
Neuronal ceroid lipofuscinosis. Also called: Neuronal Ceroid Lipofuscinoses. Identifiers: Orphanet 216, Orphanet 79263, MedGen C0027877, MONDO:0016295. Disease mechanism: loss of function.

Submission:

Labcorp Genetics (formerly Invitae), Labcorp
Classification: Uncertain significance for Neuronal ceroid lipofuscinosis. Last evaluated: 2022-08-09. Review status: criteria provided, single submitter. Criteria: Invitae Variant Classification Sherloc (09022015). Collection method: clinical testing. Allele origin: germline.
Comment: In summary, the available evidence is currently insufficient to determine the role of this variant in disease. Therefore, it has been classified as a Variant of Uncertain Significance. Algorithms developed to predict the effect of missense changes on protein structure and function are either unavailable or do not agree on the potential impact of this missense change (SIFT: "Deleterious"; PolyPhen-2: "Benign"; Align-GVGD: "Class C0"). ClinVar contains an entry for this variant (Variation ID: 1369915). This variant has not been reported in the literature in individuals affected with CTSD-related conditions. This variant is not present in population databases (gnomAD no frequency). This sequence change replaces glycine, which is neutral and non-polar, with aspartic acid, which is acidic and polar, at codon 170 of the CTSD protein (p.Gly170Asp).